The following is an entry in ClinVar:

NM_000719.7(CACNA1C):c.5492C>T (p.Thr1831Met)

Genes: CACNA1C (calcium voltage-gated channel subunit alpha1 C; plus strand), CACNA1C-AS1 (CACNA1C antisense RNA 1; minus strand). Cytogenetic location: 12p13.33.
Variant type: single nucleotide variant.
Coding change: c.5492C>T on transcript NM_000719.7 (MANE Select); coding-DNA position 5492, C replaced by T.
Protein change: p.Thr1831Met; replaces threonine 1831 with methionine.
Molecular consequence: missense variant.
Genome position (GRCh38, 1-based): chr12:2,682,597, C>T. VCF-style: chr12-2682597-C-T. GRCh37 (hg19) VCF-style: chr12-2791763-C-T.
Other names: p.Thr1831Met; c.5636C>T, p.Thr1879Met (NM_001129827.2); c.5615C>T, p.Thr1872Met (NM_001129829.2); c.5597C>T, p.Thr1866Met (NM_001129830.3, NM_001167624.3); c.5576C>T, p.Thr1859Met (NM_001129831.2); c.5552C>T, p.Thr1851Met (NM_001129832.2); c.5549C>T, p.Thr1850Met (NM_001129833.2, NM_001129834.2, NM_001129835.2); c.5543C>T, p.Thr1848Met (NM_001129836.2); and 7 more; short protein forms T1866M, T1831M, T1879M, T1872M, T1851M, T1828M, T1837M, T1848M.
Identifiers: ClinVar variation 308160 (VCV000308160.15), dbSNP rs186015395, ClinGen allele CA6389877.

ClinVar aggregate classification (germline): Conflicting classifications of pathogenicity. Review status: criteria provided, conflicting classifications (1 of 4 stars). 3 submissions from 3 submitters: Uncertain significance (1); Likely benign (2). Last evaluated 2025-12-10.

Conditions:
Long QT syndrome (LQTS). Identifiers: MedGen C0023976, MeSH D008133, MONDO:0002442. Disease mechanism: loss of function. Inheritance: Various modes of inheritance.
Cardiovascular phenotype. Identifiers: MedGen CN230736.

Allele frequency attached by ClinVar (database versions not stated): gnomAD 0.00003 and 0.00005; TOPMed 0.00005; gnomAD exomes 0.00010; ExAC 0.00014; 1000 Genomes Project 30x 0.00031; 1000 Genomes Project 0.00040.
gnomAD v4.1: 144 of 1,612,232 alleles (0.0089%); highest among the groups gnomAD compares: South Asian, 0.04%; 1 homozygote.

Submissions (3):

Labcorp Genetics (formerly Invitae), Labcorp
Classification: Likely benign for Long QT syndrome. Last evaluated: 2025-12-10. Review status: criteria provided, single submitter. Criteria: Invitae Variant Classification Sherloc (09022015). Collection method: clinical testing. Allele origin: germline.

Mayo Clinic Laboratories, Mayo Clinic
Classification: Uncertain significance. Last evaluated: 2022-02-03. Review status: criteria provided, single submitter. Criteria: ACMG Guidelines, 2015. Collection method: clinical testing. Allele origin: germline. Observed: 1 variant allele.
Comment: PP2

Ambry Genetics
Classification: Likely benign for Cardiovascular phenotype. Last evaluated: 2019-03-28. Review status: criteria provided, single submitter. Criteria: Ambry Variant Classification Scheme 2023. Collection method: clinical testing. Allele origin: germline.